The following is an entry in ClinVar:

NM_021930.6(RINT1):c.1002A>C (p.Glu334Asp)

Gene: RINT1 (RAD50 interactor 1; plus strand). Cytogenetic location: 7q22.3.
Variant type: single nucleotide variant.
Coding change: c.1002A>C on transcript NM_021930.6 (MANE Select); coding-DNA position 1002, A replaced by C.
Protein change: p.Glu334Asp; replaces glutamic acid 334 with aspartic acid.
Molecular consequence: missense variant. On other transcripts: 5 prime UTR variant (2), non-coding transcript variant (1).
Genome position (GRCh38, 1-based): chr7:105,550,060, A>C. VCF-style: chr7-105550060-A-C. GRCh37 (hg19) VCF-style: chr7-105190507-A-C.
Other names: c.768A>C, p.Glu256Asp (NM_001346599.2); c.-22A>C (NM_001346600.2, NM_001346603.2); c.78A>C, p.Glu26Asp (NM_001346601.2); short protein forms E334D, E26D, E256D.
Identifiers: ClinVar variation 3433673 (VCV003433673.1).
Genomic context (GRCh38, chr7:105,550,060, plus strand): 5'-GTAACTTTCTAATTGGAATGACTTAAGAATTCAAACTATTTTCCTCCTTCCTTAGCCAGA[A>C]TGGTACTTGGCTCAAGTACTTATGTGGATTGGAAACCATACTGAATTTCTGGATGAGAAG-3'
Protein context (NP_068749.3, residues 324-344): NRQTNVLSKP[Glu334Asp]WYLAQVLMWI

ClinVar aggregate classification (germline): Uncertain significance (1 of 4 stars; one submission).

Submission:

Ambry Genetics
Classification: Uncertain significance. Last evaluated: 2024-12-06. Review status: criteria provided, single submitter. Criteria: Ambry Variant Classification Scheme 2023. Collection method: clinical testing. Allele origin: germline.
Comment: The p.E334D variant (also known as c.1002A>C), located in coding exon 8 of the RINT1 gene, results from an A to C substitution at nucleotide position 1002. The glutamic acid at codon 334 is replaced by aspartic acid, an amino acid with highly similar properties. This amino acid position is conserved. In addition, this alteration is predicted to be deleterious by in silico analysis. Based on the available evidence, the clinical significance of this variant remains unclear.